The following is an entry in ClinVar:

ClinVar aggregate classification (germline): Uncertain significance. Review status: criteria provided, multiple submitters, no conflicts (2 of 4 stars). 2 submissions from 2 submitters: Uncertain significance (2). Last evaluated 2025-04-17.

Conditions:
Inborn genetic diseases. Identifiers: MedGen C0950123, MeSH D030342.
Frontotemporal dementia and/or amyotrophic lateral sclerosis 6 (FTDALS6). Also called: VCP-Related Amyotrophic Lateral Sclerosis; VCP-Related Amyotrophic Lateral Sclerosis/Frontotemporal Dementia. Identifiers: Orphanet 275872, Orphanet 803, MedGen C5436279, MONDO:0013501, OMIM 613954.
Inclusion body myopathy with Paget disease of bone and frontotemporal dementia. Also called: Inclusion body myopathy with early-onset Paget disease and frontotemporal dementia. Identifiers: Orphanet 52430, MedGen C1833662, MONDO:0000507.

Submissions (2):

Labcorp Genetics (formerly Invitae), Labcorp
Classification: Uncertain significance for Inclusion body myopathy with Paget disease of bone and frontotemporal dementia; Frontotemporal dementia and/or amyotrophic lateral sclerosis 6. Last evaluated: 2025-04-17. Review status: criteria provided, single submitter. Criteria: Invitae Variant Classification Sherloc (09022015). Collection method: clinical testing. Allele origin: germline.
Comment: This sequence change replaces isoleucine, which is neutral and non-polar, with valine, which is neutral and non-polar, at codon 540 of the VCP protein (p.Ile540Val). This variant is not present in population databases (gnomAD no frequency). This variant has not been reported in the literature in individuals affected with VCP-related conditions. Invitae Evidence Modeling of protein sequence and biophysical properties (such as structural, functional, and spatial information, amino acid conservation, physicochemical variation, residue mobility, and thermodynamic stability) indicates that this missense variant is not expected to disrupt VCP protein function with a negative predictive value of 80%. In summary, the available evidence is currently insufficient to determine the role of this variant in disease. Therefore, it has been classified as a Variant of Uncertain Significance.

Ambry Genetics
Classification: Uncertain significance for Inborn genetic diseases. Last evaluated: 2025-02-07. Review status: criteria provided, single submitter. Criteria: Ambry Variant Classification Scheme 2023. Collection method: clinical testing. Allele origin: germline.

NM_007126.5(VCP):c.1618A>G (p.Ile540Val)

Gene: VCP (valosin containing protein; minus strand). Cytogenetic location: 9p13.3.
Variant type: single nucleotide variant.
Coding change: c.1618A>G on transcript NM_007126.5 (MANE Select); coding-DNA position 1618, A replaced by G.
Protein change: p.Ile540Val; replaces isoleucine 540 with valine.
Molecular consequence: missense variant.
Genome position (GRCh38, 1-based): chr9:35,060,390, T>C on the plus strand (A>G on the coding strand, the complement: VCP is on the minus strand). VCF-style: chr9-35060390-T-C. GRCh37 (hg19) VCF-style: chr9-35060387-T-C.
Other names: c.1483A>G, p.Ile495Val (NM_001354927.2, NM_001354928.2); short protein forms I495V, I540V.
Identifiers: ClinVar variation 3814843 (VCV003814843.2).